The following is an entry in ClinVar:

NM_024120.5(NDUFAF5):c.107G>C (p.Arg36Pro)

Genes: NDUFAF5 (NADH:ubiquinone oxidoreductase complex assembly factor 5; plus strand), LOC130065433 (ATAC-STARR-seq lymphoblastoid active region 17552; plus strand). Cytogenetic location: 20p12.1.
Variant type: single nucleotide variant.
Coding change: c.107G>C on transcript NM_024120.5 (MANE Select); coding-DNA position 107, G replaced by C.
Protein change: p.Arg36Pro; replaces arginine 36 with proline.
Molecular consequence: missense variant. On other transcripts: 5 prime UTR variant (3), non-coding transcript variant (7).
Genome position (GRCh38, 1-based): chr20:13,785,175, G>C. VCF-style: chr20-13785175-G-C. GRCh37 (hg19) VCF-style: chr20-13765821-G-C.
Other names: c.107G>C, p.Arg36Pro (NM_001039375.3, NM_001352408.2); c.-261G>C (NM_001352403.2); c.-475G>C (NM_001352406.2); c.-589G>C (NM_001352407.2); short protein forms R36P.
Identifiers: ClinVar variation 2072987 (VCV002072987.1), dbSNP rs752715492, ClinGen allele CA9767586.

ClinVar aggregate classification (germline): Uncertain significance (1 of 4 stars; one submission).

Allele frequency attached by ClinVar (database versions not stated): gnomAD exomes 0.00001; ExAC 0.00003.
gnomAD v4.1: 7 of 1,613,878 alleles (0.00043%); highest among the groups gnomAD compares: Non-Finnish European, 0.00059%; no homozygotes.

Submission:

Labcorp Genetics (formerly Invitae), Labcorp
Classification: Uncertain significance. Last evaluated: 2022-07-19. Review status: criteria provided, single submitter. Criteria: Invitae Variant Classification Sherloc (09022015). Collection method: clinical testing. Allele origin: germline.
Comment: This sequence change replaces arginine, which is basic and polar, with proline, which is neutral and non-polar, at codon 36 of the NDUFAF5 protein (p.Arg36Pro). This variant is present in population databases (rs752715492, gnomAD 0.003%). This variant has not been reported in the literature in individuals affected with NDUFAF5-related conditions. Algorithms developed to predict the effect of missense changes on protein structure and function output the following: SIFT: "Tolerated"; PolyPhen-2: "Benign"; Align-GVGD: "Class C0". The proline amino acid residue is found in multiple mammalian species, which suggests that this missense change does not adversely affect protein function. In summary, the available evidence is currently insufficient to determine the role of this variant in disease. Therefore, it has been classified as a Variant of Uncertain Significance.